The following is an entry in ClinVar:

ClinVar aggregate classification (germline): Uncertain significance (1 of 4 stars; one submission).

gnomAD v4.1: 8 of 1,614,136 alleles (0.0005%); highest among the groups gnomAD compares: Non-Finnish European, 0.00059%; no homozygotes.

Submission:

Labcorp Genetics (formerly Invitae), Labcorp
Classification: Uncertain significance. Last evaluated: 2025-07-29. Review status: criteria provided, single submitter. Criteria: Invitae Variant Classification Sherloc (09022015). Collection method: clinical testing. Allele origin: germline.
Comment: This sequence change replaces glycine, which is neutral and non-polar, with valine, which is neutral and non-polar, at codon 1707 of the FLNB protein (p.Gly1707Val). This variant is not present in population databases (gnomAD no frequency). This variant has not been reported in the literature in individuals affected with FLNB-related conditions. Invitae Evidence Modeling of protein sequence and biophysical properties (such as structural, functional, and spatial information, amino acid conservation, physicochemical variation, residue mobility, and thermodynamic stability) indicates that this missense variant is not expected to disrupt FLNB protein function with a negative predictive value of 95%. In summary, the available evidence is currently insufficient to determine the role of this variant in disease. Therefore, it has been classified as a Variant of Uncertain Significance.

NM_001457.4(FLNB):c.5120G>T (p.Gly1707Val)

Gene: FLNB (filamin B; plus strand). Cytogenetic location: 3p14.3.
Variant type: single nucleotide variant.
Coding change: c.5120G>T on transcript NM_001457.4 (MANE Select); coding-DNA position 5120, G replaced by T.
Protein change: p.Gly1707Val; replaces glycine 1707 with valine.
Molecular consequence: missense variant. On other transcripts: intron variant (1).
Genome position (GRCh38, 1-based): chr3:58,141,868, G>T. VCF-style: chr3-58141868-G-T. GRCh37 (hg19) VCF-style: chr3-58127595-G-T.
Other names: c.5213G>T, p.Gly1738Val (NM_001164317.2); c.5120G>T, p.Gly1707Val (NM_001164318.2); c.5110-782G>T (NM_001164319.2); short protein forms G1707V, G1738V.
Identifiers: ClinVar variation 4752193 (VCV004752193.1).
Genomic context (GRCh38, chr3:58,141,868, plus strand): 5'-TGTATCCTTCCAGTATGGTTCCCAACTAATCTCCATTTGCCACTGACCAGGCCACAGATG[G>T]GGAAGTCACAGCCGTGGAGGAGGCACCGGTAAATGCATGTCCCCCTGGATTCAGGCCCTG-3'
Protein context (NP_001448.2, residues 1697-1717): NSPFTVMATD[Gly1707Val]EVTAVEEAPV